The following is an entry in ClinVar:

NM_198525.3(KIF7):c.3758C>A (p.Pro1253His)

Gene: KIF7 (kinesin family member 7; minus strand). Cytogenetic location: 15q26.1.
Variant type: single nucleotide variant.
Coding change: c.3758C>A on transcript NM_198525.3 (MANE Select); coding-DNA position 3758, C replaced by A.
Protein change: p.Pro1253His; replaces proline 1253 with histidine.
Molecular consequence: missense variant.
Genome position (GRCh38, 1-based): chr15:89,628,693, G>T on the plus strand (C>A on the coding strand, the complement: KIF7 is on the minus strand). VCF-style: chr15-89628693-G-T. GRCh37 (hg19) VCF-style: chr15-90171924-G-T.
Other names: short protein forms P1253H.
Identifiers: ClinVar variation 3578022 (VCV003578022.3).

ClinVar aggregate classification (germline): Uncertain significance. Review status: criteria provided, multiple submitters, no conflicts (2 of 4 stars). 2 submissions from 2 submitters: Uncertain significance (2). Last evaluated 2024-10-27.

Conditions:
Acrocallosal syndrome (ACLS). Also called: HALLUX DUPLICATION, POSTAXIAL POLYDACTYLY, AND ABSENCE OF CORPUS CALLOSUM; Schinzel syndrome 1; Absence of corpus callosum with unusual facial appearance, mental deficiency, duplication of the halluces and polydactyly. Identifiers: Orphanet 36, MedGen C0796147, MONDO:0008708, OMIM 200990.
Hydrolethalus syndrome 2 (HLS2). Identifiers: Orphanet 2189, MedGen C3279899, MONDO:0013585, OMIM 614120.
Multiple epiphyseal dysplasia, Al-Gazali type. Also called: Macrocephaly with multiple epiphyseal dysplasia and distinctive facies. Identifiers: Orphanet 166024, MedGen C1846722, MONDO:0011778, OMIM 607131.

gnomAD v4.1: 24 of 1,612,948 alleles (0.0015%); highest among the groups gnomAD compares: Non-Finnish European, 0.00093%; no homozygotes.

Submissions (2):

Labcorp Genetics (formerly Invitae), Labcorp
Classification: Uncertain significance for Acrocallosal syndrome. Last evaluated: 2024-10-27. Review status: criteria provided, single submitter. Criteria: Invitae Variant Classification Sherloc (09022015). Collection method: clinical testing. Allele origin: germline.
Comment: This sequence change replaces proline, which is neutral and non-polar, with histidine, which is basic and polar, at codon 1253 of the KIF7 protein (p.Pro1253His). This variant is present in population databases (no rsID available, gnomAD 0.09%). This variant has not been reported in the literature in individuals affected with KIF7-related conditions. Invitae Evidence Modeling of protein sequence and biophysical properties (such as structural, functional, and spatial information, amino acid conservation, physicochemical variation, residue mobility, and thermodynamic stability) indicates that this missense variant is not expected to disrupt KIF7 protein function with a negative predictive value of 80%. In summary, the available evidence is currently insufficient to determine the role of this variant in disease. Therefore, it has been classified as a Variant of Uncertain Significance.

Fulgent Genetics
Classification: Uncertain significance for Acrocallosal syndrome; Multiple epiphyseal dysplasia, Al-Gazali type; Hydrolethalus syndrome 2. Last evaluated: 2024-03-07. Review status: criteria provided, single submitter. Criteria: ACMG Guidelines, 2015. Collection method: clinical testing. Allele origin: germline.